The following is an entry in ClinVar:

ClinVar aggregate classification (germline): Likely pathogenic (1 of 4 stars; one submission).

Conditions:
Hemochromatosis type 3 (HFE3). Also called: HEMOCHROMATOSIS DUE TO DEFECT IN TRANSFERRIN RECEPTOR 2; Hereditary hemochromatosis type 3; TFR2-Related Hemochromatosis. Identifiers: Orphanet 225123, MedGen C1858664, MONDO:0011417, OMIM 604250.

Submission:

Natera, Inc.
Classification: Likely pathogenic for Hereditary hemochromatosis type 3. Last evaluated: 2024-03-24. Review status: criteria provided, single submitter. Criteria: Natera Variant Classification Schema (03/2026). Collection method: clinical testing. Allele origin: germline.
Comment: The c.583dupA variant in TFR2 is a frameshift variant predicted to shift the reading frame beginning at codon 195 and leads to a stop codon 22 codons downstream. This variant is expected to result in nonsense mediated decay, truncation, or a dysfunctional protein product. This variant is rare in the general population with a frequency below the threshold expected for the associated phenotype(s). Given the available evidence, this variant is classified as Likely Pathogenic.

NM_003227.4(TFR2):c.583dup (p.Thr195fs)

Gene: TFR2 (transferrin receptor 2; minus strand). Cytogenetic location: 7q22.1.
Variant type: Duplication.
Coding change: c.583dup on transcript NM_003227.4 (MANE Select); coding-DNA position 583, one base duplicated (A; older notation c.583dupA).
Protein change: p.Thr195fs; shifts the reading frame from threonine 195.
Molecular consequence: frameshift variant.
Genome position (GRCh38, 1-based): chr7:100,633,447, T duplicated on the plus strand (A on the coding strand, the reverse complement: TFR2 is on the minus strand). VCF-style (leftmost placement, unchanged base first): chr7-100633446-G-GT. GRCh37 (hg19) VCF-style: chr7-100231069-G-GT.
Other names: c.70dup, p.Thr24fs (NM_001206855.3); short protein forms T195fs, T24fs.
Identifiers: ClinVar variation 4815110 (VCV004815110.1).